The following is an entry in ClinVar:

ClinVar aggregate classification (germline): Uncertain significance. Review status: criteria provided, multiple submitters, no conflicts (2 of 4 stars). 3 submissions from 3 submitters: Uncertain significance (3). Last evaluated 2024-03-01.

Conditions:
Autosomal recessive limb-girdle muscular dystrophy type 2J (LGMDR10). Also called: Limb-girdle muscular dystrophy, type 2J; MUSCULAR DYSTROPHY, LIMB-GIRDLE, AUTOSOMAL RECESSIVE 10. Identifiers: Orphanet 140922, MedGen C1837342, MONDO:0012127, OMIM 608807.
Dilated cardiomyopathy 1G (CMD1G). Identifiers: Orphanet 154, MedGen C1858763, MONDO:0011400, OMIM 604145.

Allele frequency attached by ClinVar (database versions not stated): gnomAD exomes below 0.00001.
gnomAD v4.1: 2 of 1,612,490 alleles (0.00012%); highest among the groups gnomAD compares: African/African-American, 0.0013%; no homozygotes.

Submissions (3):

Athena Diagnostics
Classification: Uncertain significance. Last evaluated: 2024-03-01. Review status: criteria provided, single submitter. Criteria: Athena Diagnostics Criteria. Collection method: clinical testing. Allele origin: unknown.
Comment: Available data are insufficient to determine the clinical significance of the variant at this time. The frequency of this variant in the general population is uninformative in assessment of its pathogenicity. Computational tools predict that this variant is not damaging.

ARUP Laboratories, Molecular Genetics and Genomics, ARUP Laboratories
Classification: Uncertain significance. Last evaluated: 2021-01-15. Review status: criteria provided, single submitter. Criteria: ARUP Molecular Germline Variant Investigation Process 2021. Collection method: clinical testing. Allele origin: germline.
Comment: The TTN c.59916G>C; p.Leu19972Phe variant (rs1553645773; ClinVar Variation ID: 535226) is rare in the general population (<0.2% allele frequency in the Genome Aggregation Database) and has not been reported in the medical literature in association with dilated cardiomyopathy (DCM) or other TTN-related disease. The clinical relevance of rare missense variants in this gene, which are identified on average once per individual sequenced in affected populations (Herman 2012), is not well understood. Yet, evidence suggests that the vast majority of such missense variants do not contribute to the clinical outcome of DCM (Begay 2015). Thus, the clinical significance of the p.Leu19972Phe variant cannot be determined with certainty. References: Begay RL et al. Role of Titin Missense Variants in Dilated Cardiomyopathy. J Am Heart Assoc. 2015 Nov 13;4(11). Herman DS et al. Truncations of titin causing dilated cardiomyopathy. N Engl J Med. 2012 Feb 16;366(7):619-28. Linke WA and Hamdani N. Gigantic business: titin properties and function through thick and thin. Circ Res 2014; 114(6): 1052-1068.

Labcorp Genetics (formerly Invitae), Labcorp
Classification: Uncertain significance for Dilated cardiomyopathy 1G; Autosomal recessive limb-girdle muscular dystrophy type 2J. Last evaluated: 2018-01-03. Review status: criteria provided, single submitter. Criteria: Invitae Variant Classification Sherloc (09022015). Collection method: clinical testing. Allele origin: germline.

NM_001267550.2(TTN):c.59916G>C (p.Leu19972Phe)

Genes: TTN (titin; minus strand), TTN-AS1 (TTN antisense RNA 1; plus strand), LOC126806424 (CDK7 strongly-dependent group 2 enhancer GRCh37_chr2:179456337-179457536; plus strand). Cytogenetic location: 2q31.2.
Variant type: single nucleotide variant.
Coding change: c.59916G>C on transcript NM_001267550.2 (MANE Select); coding-DNA position 59916, G replaced by C.
Protein change: p.Leu19972Phe; replaces leucine 19972 with phenylalanine.
Molecular consequence: missense variant.
Genome position (GRCh38, 1-based): chr2:178,591,988, C>G on the plus strand (G>C on the coding strand, the complement: TTN is on the minus strand). VCF-style: chr2-178591988-C-G. GRCh37 (hg19) VCF-style: chr2-179456715-C-G.
Other names: c.54993G>C, p.Leu18331Phe (NM_001256850.1); c.32721G>C, p.Leu10907Phe (NM_003319.4); c.52212G>C, p.Leu17404Phe (NM_133378.4); c.33096G>C, p.Leu11032Phe (NM_133432.3); c.33297G>C, p.Leu11099Phe (NM_133437.4); c.59916G>C (NM_001267550.1); short protein forms L19972F, L10907F, L11032F, L17404F, L18331F, L11099F.
Identifiers: ClinVar variation 535226 (VCV000535226.11), dbSNP rs1553645773, ClinGen allele CA349488763.